The following is an entry in ClinVar:

ClinVar aggregate classification (germline): Conflicting classifications of pathogenicity. Review status: criteria provided, conflicting classifications (1 of 4 stars). 6 submissions from 6 submitters: Uncertain significance (1); Benign (2); Likely benign (3). Last evaluated 2025-09-01.

Conditions:
Biotin-responsive basal ganglia disease (BTBGD). Also called: Thiamine Transporter-2 Deficiency; Thiamine metabolism dysfunction syndrome 2 (biotin- or thiamine-responsive encephalopathy type 2); thiamine-responsive encephalopathy; Thiamine metabolism dysfunction syndrome type 2; THIAMINE METABOLISM DYSFUNCTION SYNDROME 2 (BIOTIN- AND THIAMINE-RESPONSIVE TYPE). Identifiers: Orphanet 199348, Orphanet 65284, MedGen C1843807, MONDO:0011841, OMIM 607483.

Allele frequency attached by ClinVar (database versions not stated): TOPMed 0.00066; 1000 Genomes Project 0.00200; 1000 Genomes Project 30x 0.00250.

Submissions (6):

CeGaT Center for Human Genetics Tuebingen
Classification: Likely benign. Last evaluated: 2025-09-01. Review status: criteria provided, single submitter. Criteria: CeGaT Center For Human Genetics Tuebingen Variant Classification Criteria Version 2. Collection method: clinical testing. Allele origin: germline. Affected: yes. Observed: 2 variant alleles.
Comment: SLC19A3: BS2

Blueprint Genetics
Classification: Likely benign. Last evaluated: 2024-11-25. Review status: criteria provided, single submitter. Criteria: ACMG Guidelines, 2015. Collection method: clinical testing. Allele origin: germline.

Mayo Clinic Laboratories, Mayo Clinic
Classification: Benign. Last evaluated: 2024-07-01. Review status: criteria provided, single submitter. Criteria: ACMG Guidelines, 2015. Collection method: clinical testing. Allele origin: germline. Observed: 5 variant alleles.
Comment: BS1, BS2

Illumina Laboratory Services, Illumina
Classification: Likely benign for Biotin-responsive basal ganglia disease. Last evaluated: 2018-01-13. Review status: criteria provided, single submitter. Criteria: ICSL Variant Classification Criteria 13 December 2019. Collection method: clinical testing. Allele origin: germline.
Comment: This variant was observed in the ICSL laboratory as part of a predisposition screen in an ostensibly healthy population. It had not been previously curated by ICSL or reported in the Human Gene Mutation Database (HGMD: prior to June 1st, 2018), and was therefore a candidate for classification through an automated scoring system. Utilizing variant allele frequency, disease prevalence and penetrance estimates, and inheritance mode, an automated score was calculated to assess if this variant is too frequent to cause the disease. Based on the score and internal cut-off values, a variant classified as likely benign is not then subjected to further curation. The score for this variant resulted in a classification of likely benign for this disease.

Eurofins Ntd Llc (ga)
Classification: Uncertain significance. Last evaluated: 2014-08-29. Review status: criteria provided, single submitter. Criteria: EGL Classification Definitions 2015. Collection method: clinical testing. Allele origin: germline. Observed: 1 variant allele, 1 heterozygote.

GeneDx
Classification: Benign. Last evaluated: 2014-07-03. Review status: criteria provided, single submitter. Criteria: GeneDx Variant Classification (06012015). Collection method: clinical testing. Allele origin: germline. Affected: yes.
Comment: This variant is considered likely benign or benign based on one or more of the following criteria: it is a conservative change, it occurs at a poorly conserved position in the protein, it is predicted to be benign by multiple in silico algorithms, and/or has population frequency not consistent with disease.

NM_025243.4(SLC19A3):c.*8G>A

Gene: SLC19A3 (solute carrier family 19 member 3; minus strand). Cytogenetic location: 2q36.3.
Variant type: single nucleotide variant.
Coding change: c.*8G>A on transcript NM_025243.4 (MANE Select); 8 bases downstream of the stop codon, G replaced by A.
Molecular consequence: 3 prime UTR variant.
Genome position (GRCh38, 1-based): chr2:227,687,389, C>T on the plus strand (G>A on the coding strand, the complement: SLC19A3 is on the minus strand). VCF-style: chr2-227687389-C-T. GRCh37 (hg19) VCF-style: chr2-228552105-C-T.
Identifiers: ClinVar variation 198267 (VCV000198267.36), dbSNP rs188532608, ClinGen allele CA246821.
Genomic context (GRCh38, chr2:227,687,389, plus strand): 5'-CCCATCTCAAAATCTTTCCTTATTATTGCATAACTTTGAAAGCCACTGTTGCGTTTGTTG[C>T]GATGAGGTTAGAGTTTTGTTGACATGATGATATTACTCTCTTCCTCTGGGTGAGACACAT-3'